The following is an entry in ClinVar:

NM_001723.7(DST):c.5966C>A (p.Ala1989Asp)

Gene: DST (dystonin; minus strand). Cytogenetic location: 6p12.1.
Variant type: single nucleotide variant.
Coding change: c.5966C>A on transcript NM_001723.7 (MANE Plus Clinical); coding-DNA position 5966, C replaced by A.
Protein change: p.Ala1989Asp; replaces alanine 1989 with aspartic acid.
Molecular consequence: missense variant. On other transcripts: intron variant (10).
Genome position (GRCh38, 1-based): chr6:56,618,068, G>T on the plus strand (C>A on the coding strand, the complement: DST is on the minus strand). VCF-style: chr6-56618068-G-T. GRCh37 (hg19) VCF-style: chr6-56482866-G-T.
Other names: c.4831-3584C>A (NM_001144769.5); c.4930-3584C>A (NM_001374722.1, NM_001374736.1); c.4957-3584C>A (NM_001374734.1); c.4417-3584C>A (NM_001144770.2); c.4297-3584C>A (NM_001374730.1, NM_001386100.1, NM_183380.4 and 1 more transcripts); c.3319-3584C>A (NM_015548.5); short protein forms A1989D.
Identifiers: ClinVar variation 2188625 (VCV002188625.4), dbSNP rs765752435, ClinGen allele CA364566184.

ClinVar aggregate classification (germline): Uncertain significance (1 of 4 stars; one submission).

Conditions:
Hereditary sensory and autonomic neuropathy type 6. Also called: HSAN VI; Neuropathy, hereditary sensory and autonomic, type VI. Identifiers: Orphanet 314381, MedGen C3539003, MONDO:0013839, OMIM 614653.
Epidermolysis bullosa simplex 3, localized or generalized intermediate, with BP230 deficiency (EBS3). Also called: Epidermolysis bullosa simplex due to BP230 deficiency; Epidermolysis bullosa simplex, autosomal recessive 2. Identifiers: Orphanet 412181, MedGen C3809470, MONDO:0014180, OMIM 615425.

gnomAD v4.1: 7 of 1,614,100 alleles (0.00043%); highest among the groups gnomAD compares: Non-Finnish European, 0.00059%; no homozygotes.

Submission:

Labcorp Genetics (formerly Invitae), Labcorp
Classification: Uncertain significance for Epidermolysis bullosa simplex 3, localized or generalized intermediate, with BP230 deficiency; Hereditary sensory and autonomic neuropathy type 6. Last evaluated: 2022-07-15. Review status: criteria provided, single submitter. Criteria: Invitae Variant Classification Sherloc (09022015). Collection method: clinical testing. Allele origin: germline.
Comment: In summary, the available evidence is currently insufficient to determine the role of this variant in disease. Therefore, it has been classified as a Variant of Uncertain Significance. Algorithms developed to predict the effect of missense changes on protein structure and function are either unavailable or do not agree on the potential impact of this missense change (SIFT: "Deleterious"; PolyPhen-2: "Benign"; Align-GVGD: "Class C65"). This variant has not been reported in the literature in individuals affected with DST-related conditions. This variant is not present in population databases (gnomAD no frequency). This sequence change replaces alanine, which is neutral and non-polar, with aspartic acid, which is acidic and polar, at codon 1989 of the DST protein (p.Ala1989Asp).